The following is an entry in ClinVar:

ClinVar aggregate classification (germline): Benign/Likely benign. Review status: criteria provided, multiple submitters, no conflicts (2 of 4 stars). 4 submissions from 4 submitters: Benign (1); Likely benign (3). Last evaluated 2024-11-03.

Conditions:
Hereditary cancer-predisposing syndrome. Also called: Neoplastic Syndromes, Hereditary; Hereditary Cancer Syndrome; Tumor predisposition; Hereditary neoplastic syndrome. Identifiers: Orphanet 140162, MedGen C0027672, MeSH D009386, MONDO:0015356.
Oligodontia-cancer predisposition syndrome. Also called: TOOTH AGENESIS-COLORECTAL CANCER SYNDROME. Identifiers: Orphanet 300576, MedGen C1837750, MONDO:0012075, OMIM 608615. Disease mechanism: loss of function.

Allele frequency attached by ClinVar (database versions not stated): gnomAD 0.00001.
gnomAD v4.1: 1 of 1,614,040 alleles (0.000062%); highest among the groups gnomAD compares: African/African-American, 0.0013%; no homozygotes.

Submissions (4):

Labcorp Genetics (formerly Invitae), Labcorp
Classification: Likely benign for Oligodontia-cancer predisposition syndrome. Last evaluated: 2024-11-03. Review status: criteria provided, single submitter. Criteria: Invitae Variant Classification Sherloc (09022015). Collection method: clinical testing. Allele origin: germline.

Myriad Genetics, Inc.
Classification: Benign for Oligodontia-cancer predisposition syndrome. Last evaluated: 2024-06-27. Review status: criteria provided, single submitter. Criteria: Myriad Autosomal Dominant, Autosomal Recessive and X-Linked Classification Criteria (2023). Collection method: clinical testing. Allele origin: unknown.
Comment: This variant is considered benign. This variant is a silent/synonymous amino acid change and it is not expected to impact splicing.

Ambry Genetics
Classification: Likely benign for Hereditary cancer-predisposing syndrome. Last evaluated: 2024-03-18. Review status: criteria provided, single submitter. Criteria: Ambry Variant Classification Scheme 2023. Collection method: clinical testing. Allele origin: germline.

Sema4
Classification: Likely benign for Hereditary cancer-predisposing syndrome. Last evaluated: 2021-11-22. Review status: criteria provided, single submitter. Criteria: Sema4 Curation Guidelines. Collection method: curation. Allele origin: germline.

NM_004655.4(AXIN2):c.798T>C (p.Thr266=)

Gene: AXIN2 (axin 2; minus strand). Cytogenetic location: 17q24.1.
Variant type: single nucleotide variant.
Coding change: c.798T>C on transcript NM_004655.4 (MANE Select); coding-DNA position 798, T replaced by C.
Protein change: p.Thr266=; no amino-acid change (threonine 266 retained).
Molecular consequence: synonymous variant.
Genome position (GRCh38, 1-based): chr17:65,557,823, A>G on the plus strand (T>C on the coding strand, the complement: AXIN2 is on the minus strand). VCF-style: chr17-65557823-A-G. GRCh37 (hg19) VCF-style: chr17-63553941-A-G.
Other names: c.798T>C, p.Thr266= (NM_001363813.1).
Identifiers: ClinVar variation 1132308 (VCV001132308.13), dbSNP rs2044291724, ClinGen allele CA501476781.